The following is an entry in ClinVar:

NM_000170.3(GLDC):c.527T>A (p.Leu176Ter)

Gene: GLDC (glycine decarboxylase; minus strand). Cytogenetic location: 9p24.1.
Variant type: single nucleotide variant.
Coding change: c.527T>A on transcript NM_000170.3 (MANE Select); coding-DNA position 527, T replaced by A.
Protein change: p.Leu176Ter; replaces leucine 176 with a stop codon.
Molecular consequence: nonsense.
Genome position (GRCh38, 1-based): chr9:6,610,300, A>T on the plus strand (T>A on the coding strand, the complement: GLDC is on the minus strand). VCF-style: chr9-6610300-A-T. GRCh37 (hg19) VCF-style: chr9-6610300-A-T.
Other names: short protein forms L176*.
Identifiers: ClinVar variation 1724954 (VCV001724954.2), dbSNP rs1458411946, ClinGen allele CA372898485.
Genomic context (GRCh38, chr9:6,610,300, plus strand): 5'-AGGGATGCATTGGCCATGTCCAGGCCTGTGATGTCACACACCATGGTCTGGTAGTTGAGT[A>T]AACTCTCCAGCCTCCCCTGAGACACCTCAGGCTGGTATGGAGTATACTGGGTGATCCTGC-3'

ClinVar aggregate classification (germline): Likely pathogenic (1 of 4 stars; one submission).

Conditions:
Glycine encephalopathy. Also called: Non-ketotic hyperglycinemia; Nonketotic hyperglycinemia. Identifiers: Orphanet 407, MedGen C0751748, MONDO:0011612, HP:0008288.

Submission:

Myriad Genetics, Inc.
Classification: Likely pathogenic for Glycine encephalopathy 1. Last evaluated: 2022-03-03. Review status: criteria provided, single submitter. Criteria: Myriad Women's Health Autosomal Recessive and X-Linked Classification Criteria (2021). Collection method: clinical testing. Allele origin: unknown.
Comment: NM_000170.2(GLDC):c.527T>A(L176*) is expected to be pathogenic in the context of glycine encephalopathy, GLDC-related. This variant is predicted to lead to an abnormal or absent protein product due to the creation of a premature termination codon in GLDC, a gene where loss-of-function variants are known to be pathogenic. Please note: this variant was assessed in the context of healthy population screening.